The following is an entry in ClinVar:

ClinVar aggregate classification (germline): Uncertain significance. Review status: criteria provided, multiple submitters, no conflicts (2 of 4 stars). 2 submissions from 2 submitters: Uncertain significance (2). Last evaluated 2024-09-04.

Conditions:
Familial cancer of breast. Also called: BREAST CANCER, FAMILIAL; hereditary breast carcinoma; Hereditary breast cancer. Identifiers: Orphanet 227535, MedGen C0346153, MONDO:0016419, OMIM 114480. Disease mechanism: loss of function.
Hereditary cancer-predisposing syndrome. Also called: Tumor predisposition; Hereditary neoplastic syndrome; Neoplastic Syndromes, Hereditary; Hereditary Cancer Syndrome. Identifiers: Orphanet 140162, MedGen C0027672, MeSH D009386, MONDO:0015356.

Submissions (2):

Labcorp Genetics (formerly Invitae), Labcorp
Classification: Uncertain significance for Familial cancer of breast. Last evaluated: 2024-09-04. Review status: criteria provided, single submitter. Criteria: Invitae Variant Classification Sherloc (09022015). Collection method: clinical testing. Allele origin: germline.
Comment: This sequence change replaces aspartic acid, which is acidic and polar, with glutamic acid, which is acidic and polar, at codon 611 of the PALB2 protein (p.Asp611Glu). This variant is not present in population databases (gnomAD no frequency). This variant has not been reported in the literature in individuals affected with PALB2-related conditions. ClinVar contains an entry for this variant (Variation ID: 664965). Invitae Evidence Modeling of protein sequence and biophysical properties (such as structural, functional, and spatial information, amino acid conservation, physicochemical variation, residue mobility, and thermodynamic stability) indicates that this missense variant is not expected to disrupt PALB2 protein function with a negative predictive value of 80%. In summary, the available evidence is currently insufficient to determine the role of this variant in disease. Therefore, it has been classified as a Variant of Uncertain Significance.

Ambry Genetics
Classification: Uncertain significance for Hereditary cancer-predisposing syndrome. Last evaluated: 2024-03-07. Review status: criteria provided, single submitter. Criteria: Ambry Variant Classification Scheme 2023. Collection method: clinical testing. Allele origin: germline.
Comment: The p.D611E variant (also known as c.1833C>G), located in coding exon 5 of the PALB2 gene, results from a C to G substitution at nucleotide position 1833. The aspartic acid at codon 611 is replaced by glutamic acid, an amino acid with highly similar properties. This amino acid position is conserved. In addition, this alteration is predicted to be tolerated by in silico analysis. Based on the available evidence, the clinical significance of this alteration remains unclear.

NM_024675.4(PALB2):c.1833C>G (p.Asp611Glu)

Gene: PALB2 (partner and localizer of BRCA2; minus strand). Cytogenetic location: 16p12.2.
Variant type: single nucleotide variant.
Coding change: c.1833C>G on transcript NM_024675.4 (MANE Select); coding-DNA position 1833, C replaced by G.
Protein change: p.Asp611Glu; replaces aspartic acid 611 with glutamic acid.
Molecular consequence: missense variant.
Genome position (GRCh38, 1-based): chr16:23,630,321, G>C on the plus strand (C>G on the coding strand, the complement: PALB2 is on the minus strand). VCF-style: chr16-23630321-G-C. GRCh37 (hg19) VCF-style: chr16-23641642-G-C.
Other names: short protein forms D611E.
Identifiers: ClinVar variation 664965 (VCV000664965.6), dbSNP rs779184831, ClinGen allele CA395127904.
Genomic context (GRCh38, chr16:23,630,321, plus strand): 5'-TGAGCAGGACTTCACTTTTTCAAGCTTAAGAGGTCCAAAGTCTTCATCAGGTAACTGAAA[G>C]TCTGTGATACTGAGAAAAGACAGTAGTTGCTTTAAACTCAGCATTCCATCCCTATGAAAT-3'
Protein context (NP_078951.2, residues 601-621): KQLLSFLSIT[Asp611Glu]FQLPDEDFGP